The following is an entry in ClinVar:

ClinVar aggregate classification (germline): Conflicting classifications of pathogenicity. Review status: criteria provided, conflicting classifications (1 of 4 stars). 4 submissions from 4 submitters: Pathogenic (1); Uncertain significance (3). Last evaluated 2026-03-05.

Conditions:
Neurodevelopmental disorder, mitochondrial, with abnormal movements and lactic acidosis, with or without seizures. Identifiers: Orphanet 572798, MedGen C4540192, MONDO:0060578, OMIM 617710.

Allele frequency attached by ClinVar (database versions not stated): 1000 Genomes Project 0.00040; gnomAD exomes 0.00001 and 0.00002; TOPMed 0.00001; gnomAD 0.00001; ExAC 0.00002; 1000 Genomes Project 30x 0.00062.

Submissions (4):

Mendelics
Classification: Pathogenic for Neurodevelopmental disorder, mitochondrial, with abnormal movements and lactic acidosis, with or without seizures. Last evaluated: 2026-03-05. Review status: criteria provided, single submitter. Criteria: ACMG Guidelines, 2015. Collection method: clinical testing. Allele origin: unknown.
Comment: Likely pathogenic/Pathogenic according to ACMG criteria.

Dasa
Classification: Uncertain significance. Last evaluated: 2025-07-31. Review status: criteria provided, single submitter. Criteria: DASA Assertion Criteria. Collection method: clinical testing. Allele origin: germline.
Comment: NM_015836.4(WARS2):c.487C>T (p.Leu163Phe) is a missense variant that results in the substitution of leucine with phenylalanine. This variant has been reported in individuals with WARS2-related disorders (PMID: 30831263). Also, this variant is rare in population databases. Computational prediction algorithms are consistent with a deleterious effect. The currently available literature and clinical evidence are not sufficient to establish a definitive association between this variant and the reported condition. Therefore, this variant is classified as a variant of uncertain significance.

Labcorp Genetics (formerly Invitae), Labcorp
Classification: Uncertain significance. Last evaluated: 2024-10-24. Review status: criteria provided, single submitter. Criteria: Invitae Variant Classification Sherloc (09022015). Collection method: clinical testing. Allele origin: germline.
Comment: This sequence change replaces leucine, which is neutral and non-polar, with phenylalanine, which is neutral and non-polar, at codon 163 of the WARS2 protein (p.Leu163Phe). This variant is present in population databases (rs570439512, gnomAD 0.006%). This missense change has been observed in individual(s) with clinical features of WARS2-related leukoencephalopathy (PMID: 30831263). ClinVar contains an entry for this variant (Variation ID: 1031940). Invitae Evidence Modeling of protein sequence and biophysical properties (such as structural, functional, and spatial information, amino acid conservation, physicochemical variation, residue mobility, and thermodynamic stability) indicates that this missense variant is expected to disrupt WARS2 protein function with a positive predictive value of 80%. In summary, the available evidence is currently insufficient to determine the role of this variant in disease. Therefore, it has been classified as a Variant of Uncertain Significance.

Baylor Genetics
Classification: Uncertain significance for Neurodevelopmental disorder, mitochondrial, with abnormal movements and lactic acidosis, with or without seizures. Last evaluated: 2018-03-01. Review status: criteria provided, single submitter. Criteria: ACMG Guidelines, 2015. Collection method: clinical testing. Allele origin: paternal. Affected: yes.
Comment: This variant was determined to be of uncertain significance according to ACMG Guidelines, 2015 [PMID:25741868].

Literature cited by the submitters: PubMed 30831263 (cited by Dasa and Labcorp Genetics (formerly Invitae), Labcorp).

NM_015836.4(WARS2):c.487C>T (p.Leu163Phe)

Gene: WARS2 (tryptophanyl tRNA synthetase 2, mitochondrial; minus strand). Cytogenetic location: 1p12.
Variant type: single nucleotide variant.
Coding change: c.487C>T on transcript NM_015836.4 (MANE Select); coding-DNA position 487, C replaced by T.
Protein change: p.Leu163Phe; replaces leucine 163 with phenylalanine.
Molecular consequence: missense variant. On other transcripts: intron variant (1).
Genome position (GRCh38, 1-based): chr1:119,042,292, G>A on the plus strand (C>T on the coding strand, the complement: WARS2 is on the minus strand). VCF-style: chr1-119042292-G-A. GRCh37 (hg19) VCF-style: chr1-119584915-G-A.
Other names: chr1:g.119042292G>A; c.418C>T, p.Leu140Phe (NM_001378226.1, NM_001378227.1); c.316C>T, p.Leu106Phe (NM_001378228.1); c.229C>T, p.Leu77Phe (NM_001378229.1); c.205C>T, p.Leu69Phe (NM_001378230.1); c.487C>T, p.Leu163Phe (NM_201263.2); c.429+3290C>T (NM_001378231.1); short protein forms L140F, L77F, L106F, L69F, L163F.
Identifiers: ClinVar variation 1031940 (VCV001031940.8), dbSNP rs570439512, ClinGen allele CA1035306.